The following is an entry in ClinVar:

ClinVar aggregate classification (germline): Uncertain significance. Review status: criteria provided, multiple submitters, no conflicts (2 of 4 stars). 2 submissions from 2 submitters: Uncertain significance (2). Last evaluated 2025-08-03.

Conditions:
Cardiovascular phenotype. Identifiers: MedGen CN230736.
Familial hypobetalipoproteinemia 1. Also called: Hypobetalipoproteinemia, normotriglyceridemic; Acanthocytosis with hypobetalipoproteinemia; APOB-Related Familial Hypobetalipoproteinemia. Identifiers: MedGen C4551990, MONDO:0014252, OMIM 615558.
Hypercholesterolemia, autosomal dominant, type B (FHCL2). Also called: Familial Hypercholesterolemia Type B; HYPERCHOLESTEROLEMIA, FAMILIAL, DUE TO LIGAND-DEFECTIVE APOLIPOPROTEIN B; Familial hypercholesterolemia 2; APOB-Related Familial Hypercholesterolemia, Autosomal Dominant; APOLIPOPROTEIN B-100, FAMILIAL DEFECTIVE; APOLIPOPROTEIN B-100, FAMILIAL LIGAND-DEFECTIVE. Identifiers: MedGen C1704417, MONDO:0007751, OMIM 144010.

Allele frequency attached by ClinVar (database versions not stated): gnomAD exomes below 0.00001; ExAC 0.00001; gnomAD 0.00001.
gnomAD v4.1: 3 of 1,584,846 alleles (0.00019%); highest among the groups gnomAD compares: African/African-American, 0.0027%; no homozygotes.

Submissions (2):

Ambry Genetics
Classification: Uncertain significance for Cardiovascular phenotype. Last evaluated: 2025-08-03. Review status: criteria provided, single submitter. Criteria: Ambry Variant Classification Scheme 2023. Collection method: clinical testing. Allele origin: germline.
Comment: The p.W4114R variant (also known as c.12340T>C), located in coding exon 29 of the APOB gene, results from a T to C substitution at nucleotide position 12340. The tryptophan at codon 4114 is replaced by arginine, an amino acid with dissimilar properties. This amino acid position is conserved. In addition, this alteration is predicted to be tolerated by in silico analysis. Based on the available evidence, the clinical significance of this variant remains unclear.

Fulgent Genetics
Classification: Uncertain significance for Hypercholesterolemia, autosomal dominant, type B; Familial hypobetalipoproteinemia 1. Last evaluated: 2021-09-07. Review status: criteria provided, single submitter. Criteria: ACMG Guidelines, 2015. Collection method: clinical testing. Allele origin: unknown.

NM_000384.3(APOB):c.12340T>C (p.Trp4114Arg)

Gene: APOB (apolipoprotein B; minus strand). Cytogenetic location: 2p24.1.
Variant type: single nucleotide variant.
Coding change: c.12340T>C on transcript NM_000384.3 (MANE Select); coding-DNA position 12340, T replaced by C.
Protein change: p.Trp4114Arg; replaces tryptophan 4114 with arginine.
Molecular consequence: missense variant.
Genome position (GRCh38, 1-based): chr2:21,003,082, A>G on the plus strand (T>C on the coding strand, the complement: APOB is on the minus strand). VCF-style: chr2-21003082-A-G. GRCh37 (hg19) VCF-style: chr2-21225954-A-G.
Other names: short protein forms W4114R.
Identifiers: ClinVar variation 925126 (VCV000925126.5), dbSNP rs750904831, ClinGen allele CA049940.